The following is an entry in ClinVar:

NM_001005373.4(LRSAM1):c.1747G>A (p.Ala583Thr)

Gene: LRSAM1 (leucine rich repeat and sterile alpha motif containing 1; plus strand). Cytogenetic location: 9q33.3.
Variant type: single nucleotide variant.
Coding change: c.1747G>A on transcript NM_001005373.4 (MANE Select); coding-DNA position 1747, G replaced by A.
Protein change: p.Ala583Thr; replaces alanine 583 with threonine.
Molecular consequence: missense variant. On other transcripts: non-coding transcript variant (2).
Genome position (GRCh38, 1-based): chr9:127,496,012, G>A. VCF-style: chr9-127496012-G-A. GRCh37 (hg19) VCF-style: chr9-130258291-G-A.
Other names: c.1747G>A, p.Ala583Thr (NM_001005374.4, NM_001384142.1, NM_138361.5); c.1666G>A, p.Ala556Thr (NM_001190723.3); c.1648G>A, p.Ala550Thr (NM_001384143.1); c.958G>A, p.Ala320Thr (NM_001384144.1); short protein forms A583T, A556T, A320T, A550T.
Identifiers: ClinVar variation 582626 (VCV000582626.8), dbSNP rs1202628332, ClinGen allele CA374935721.
Genomic context (GRCh38, chr9:127,496,012, plus strand): 5'-TCTGTCTTGCAGGAAGAGGGGATGGAGCGCCAGCTGGTGGCCCTCCTGGAGGAGCTGTCG[G>A]CTGAGCACTACCTGCCCATCTTTGCGCACCACCGCCTCTCACTGGACCTGCTGAGCCAAA-3'
Protein context (NP_001005373.1, residues 573-593): QLVALLEELS[Ala583Thr]EHYLPIFAHH

ClinVar aggregate classification (germline): Uncertain significance (1 of 4 stars; one submission).

Conditions:
Charcot-Marie-Tooth disease axonal type 2P. Also called: CHARCOT-MARIE-TOOTH NEUROPATHY, TYPE 2P; Charcot-Marie-Tooth Neuropathy Type 2G; CHARCOT-MARIE-TOOTH DISEASE, AXONAL, TYPE 2G; CMT 2G. Identifiers: Orphanet 300319, Orphanet 99941, MedGen C3280797, MONDO:0013753, OMIM 614436.

Allele frequency attached by ClinVar (database versions not stated): gnomAD exomes below 0.00001.
gnomAD v4.1: 1 of 1,612,774 alleles (0.000062%); highest among the groups gnomAD compares: African/African-American, 0.0013%; no homozygotes.

Submission:

Labcorp Genetics (formerly Invitae), Labcorp
Classification: Uncertain significance for Charcot-Marie-Tooth disease axonal type 2P. Last evaluated: 2018-05-30. Review status: criteria provided, single submitter. Criteria: Invitae Variant Classification Sherloc (09022015). Collection method: clinical testing. Allele origin: germline.
Comment: This variant is not present in population databases (ExAC no frequency). In summary, the available evidence is currently insufficient to determine the role of this variant in disease. Therefore, it has been classified as a Variant of Uncertain Significance. Algorithms developed to predict the effect of missense changes on protein structure and function are either unavailable or do not agree on the potential impact of this missense change (SIFT: "Deleterious"; PolyPhen-2: "Probably Damaging"; Align-GVGD: "Class C0"). This variant has not been reported in the literature in individuals with LRSAM1-related disease. This sequence change replaces alanine with threonine at codon 583 of the LRSAM1 protein (p.Ala583Thr). The alanine residue is highly conserved and there is a small physicochemical difference between alanine and threonine.